The following is an entry in ClinVar:

ClinVar aggregate classification (germline): Uncertain significance (1 of 4 stars; one submission).

Allele frequency attached by ClinVar (database versions not stated): gnomAD exomes below 0.00001; ExAC 0.00005; TOPMed 0.00007; gnomAD 0.00009.
gnomAD v4.1: 19 of 1,593,254 alleles (0.0012%); highest among the groups gnomAD compares: African/African-American, 0.026%; no homozygotes.

Submission:

Labcorp Genetics (formerly Invitae), Labcorp
Classification: Uncertain significance. Last evaluated: 2022-10-25. Review status: criteria provided, single submitter. Criteria: Invitae Variant Classification Sherloc (09022015). Collection method: clinical testing. Allele origin: germline.
Comment: In summary, the available evidence is currently insufficient to determine the role of this variant in disease. Therefore, it has been classified as a Variant of Uncertain Significance. Algorithms developed to predict the effect of missense changes on protein structure and function (SIFT, PolyPhen-2, Align-GVGD) all suggest that this variant is likely to be tolerated. This variant has not been reported in the literature in individuals affected with PTHLH-related conditions. The frequency data for this variant in the population databases is considered unreliable, as metrics indicate poor data quality at this position in the gnomAD database. This sequence change replaces phenylalanine, which is neutral and non-polar, with leucine, which is neutral and non-polar, at codon 14 of the PTHLH protein (p.Phe14Leu).

NM_198965.2(PTHLH):c.42C>A (p.Phe14Leu)

Gene: PTHLH (parathyroid hormone like hormone; minus strand). Cytogenetic location: 12p11.22.
Variant type: single nucleotide variant.
Coding change: c.42C>A on transcript NM_198965.2 (MANE Select); coding-DNA position 42, C replaced by A.
Protein change: p.Phe14Leu; replaces phenylalanine 14 with leucine.
Molecular consequence: missense variant.
Genome position (GRCh38, 1-based): chr12:27,969,453, G>T on the plus strand (C>A on the coding strand, the complement: PTHLH is on the minus strand). VCF-style: chr12-27969453-G-T. GRCh37 (hg19) VCF-style: chr12-28122386-G-T.
Other names: c.42C>A, p.Phe14Leu (NM_002820.3, NM_198964.2, NM_198966.2); short protein forms F14L.
Identifiers: ClinVar variation 1898336 (VCV001898336.5), dbSNP rs765337798, ClinGen allele CA6494974.
Genomic context (GRCh38, chr12:27,969,453, plus strand): 5'-CAGGCGGCGGCTGAGACCCTCCACCGAGCGCCCGCAGGAGGGCACCGCGTAGCTCAGCAG[G>T]AACACCGCGACGCTCCACTGCTGAACCAGTCTCCGCTGCATCGTCTCCGCTCGCGCTCGG-3'
Protein context (NP_945316.1, residues 4-24): RLVQQWSVAV[Phe14Leu]LLSYAVPSCG